The following is an entry in ClinVar:

NM_000038.6(APC):c.532-996_532-995delinsTT

Gene: APC (APC regulator of Wnt signaling pathway; plus strand). Cytogenetic location: 5q22.2.
Variant type: Indel.
Coding change: c.532-996_532-995delinsTT on transcript NM_000038.6 (MANE Select); 996 bases into the intron before coding-DNA position 532 through 995 bases into the intron before coding-DNA position 532, GC replaced by TT.
Molecular consequence: intron variant.
Genome position (GRCh38, 1-based): chr5:112,779,794-112,779,795, GC replaced by TT. VCF-style: chr5-112779794-GC-TT. GRCh37 (hg19) VCF-style: chr5-112115491-GC-TT.
Other names: c.-504-996_-504-995delinsTT (NM_001407470.1, NM_001407472.1, NM_001354906.2 and 1 more transcripts); c.532-996_532-995delinsTT (NM_001407447.1, NM_001354895.2, NM_001407456.1 and 17 more transcripts); c.562-996_562-995delinsTT (NM_001407446.1, NM_001354897.2, NM_001354902.2 and 1 more transcripts); c.355-996_355-995delinsTT (NM_001407453.1, NM_001354900.2, NM_001354901.2 and 1 more transcripts); c.457-996_457-995delinsTT (NM_001407451.1, NM_001354898.2, NM_001354904.2).
Identifiers: ClinVar variation 5010240 (VCV005010240.1).

ClinVar aggregate classification (germline): Uncertain significance (1 of 4 stars; one submission).

Submission:

Genetic Services Laboratory, University of Chicago
Classification: Uncertain significance. Last evaluated: 2025-06-26. Review status: criteria provided, single submitter. Criteria: ACMG Guidelines, 2015. Collection method: clinical testing. Allele origin: germline.
Comment: The c.532-996_532-995delinsTT variant: Is a deletion and insertion of two base pairs in intron 5. Does not appear to have been previously described in individuals with APC-related disorders. o;Has not been described in population databases such as gnomAD v4. Is predicted to have an impact on cryptic donor splice site; however, functional studies have not been performed to prove this conclusively. Due to insufficient evidence and the lack of functional studies, the clinical significance of the c.532-996_532-995delinsTT variant remains unknown at this time.